The following is an entry in ClinVar:

ClinVar aggregate classification (germline): Uncertain significance (0 of 4 stars; one submission).

Conditions:
NCOA1-related disorder. Also called: NCOA1-related condition.

Submission:

PreventionGenetics, part of Exact Sciences
Classification: Uncertain significance for NCOA1-related condition. Last evaluated: 2024-08-22. Review status: no assertion criteria provided. Collection method: clinical testing. Allele origin: germline.
Comment: The NCOA1 c.2309A>G variant is predicted to result in the amino acid substitution p.Asp770Gly. To our knowledge, this variant has not been reported in the literature or in a large population database, indicating this variant is rare. At this time, the clinical significance of this variant is uncertain due to the absence of conclusive functional and genetic evidence.

NM_003743.5(NCOA1):c.2309A>G (p.Asp770Gly)

Gene: NCOA1 (nuclear receptor coactivator 1; plus strand). Cytogenetic location: 2p23.3.
Variant type: single nucleotide variant.
Coding change: c.2309A>G on transcript NM_003743.5 (MANE Select); coding-DNA position 2309, A replaced by G.
Protein change: p.Asp770Gly; replaces aspartic acid 770 with glycine.
Molecular consequence: missense variant.
Genome position (GRCh38, 1-based): chr2:24,707,779, A>G. VCF-style: chr2-24707779-A-G. GRCh37 (hg19) VCF-style: chr2-24930648-A-G.
Other names: c.2309A>G, p.Asp770Gly (NM_001362950.1, NM_001362952.1, NM_001362954.1 and 3 more transcripts); short protein forms D770G.
Identifiers: ClinVar variation 3349320 (VCV003349320.1).